The following is an entry in ClinVar:

NM_001374828.1(ARID1B):c.5017A>G (p.Ile1673Val)

Gene: ARID1B (AT-rich interaction domain 1B; plus strand). Cytogenetic location: 6q25.3.
Variant type: single nucleotide variant.
Coding change: c.5017A>G on transcript NM_001374828.1 (MANE Select); coding-DNA position 5017, A replaced by G.
Protein change: p.Ile1673Val; replaces isoleucine 1673 with valine.
Molecular consequence: missense variant.
Genome position (GRCh38, 1-based): chr6:157,201,242, A>G. VCF-style: chr6-157201242-A-G. GRCh37 (hg19) VCF-style: chr6-157522376-A-G.
Other names: c.4648A>G (NM_020732.3); c.2518A>G, p.Ile840Val (NM_001363725.2); c.4897A>G, p.Ile1633Val (NM_001371656.1, NM_001374820.1); c.5146A>G, p.Ile1716Val (NM_001438482.1); c.5059A>G, p.Ile1687Val (NM_001438483.1); c.4927A>G, p.Ile1643Val (NM_001438485.1); c.4900A>G, p.Ile1634Val (NM_001438486.1); c.4837A>G, p.Ile1613Val (NM_001438487.1); and 2 more; short protein forms I1633V, I1687V, I1716V, I840V, I1613V, I1643V, I787V, I1620V.
Identifiers: ClinVar variation 4996405 (VCV004996405.1).

ClinVar aggregate classification (germline): Uncertain significance (1 of 4 stars; one submission).

Conditions:
ARID1B-Related Disorder. Identifiers: MedGen CN381337.

gnomAD v4.1: 2 of 1,613,700 alleles (0.00012%); highest among the groups gnomAD compares: Non-Finnish European, 0.00017%; no homozygotes.

Submission:

PreventionGenetics, part of Exact Sciences
Classification: Uncertain significance for ARID1B-related condition. Last evaluated: 2025-12-19. Review status: criteria provided, single submitter. Criteria: ACMG Guidelines, 2015. Collection method: clinical testing. Allele origin: germline.
Comment: The ARID1B c.4648A>G variant is predicted to result in the amino acid substitution p.Ile1550Val. To our knowledge, this variant has not been reported in the literature. This variant is reported in 0.00088% of alleles in individuals of European (Non-Finnish) descent in gnomAD. At this time, the clinical significance of this variant is uncertain due to the absence of conclusive functional and genetic evidence.